The following is an entry in ClinVar:

ClinVar aggregate classification (germline): Uncertain significance (1 of 4 stars; one submission).

Submission:

Women's Health and Genetics/Laboratory Corporation of America, LabCorp
Classification: Uncertain significance. Last evaluated: 2021-01-06. Review status: criteria provided, single submitter. Criteria: LabCorp Variant Classification Summary - May 2015. Collection method: clinical testing. Allele origin: germline.
Comment: Variant summary: RAF1 c.1724A>C (p.Lys575Thr) results in a non-conservative amino acid change located in the Protein Kinase domain of the encoded protein sequence. Five of five in-silico tools predict a damaging effect of the variant on protein function. The variant was absent in 251336 control chromosomes. The available data on variant occurrences in the general population are insufficient to allow any conclusion about variant significance. To our knowledge, no occurrence of c.1724A>C in individuals affected with Noonan Syndrome And Related Conditions and no experimental evidence demonstrating its impact on protein function have been reported. No other clinical diagnostic laboratories have submitted clinical-significance assessments for this variant to ClinVar after 2014. Based on the evidence outlined above, the variant was classified as uncertain significance.

NM_002880.4(RAF1):c.1724A>C (p.Lys575Thr)

Gene: RAF1 (Raf-1 proto-oncogene, serine/threonine kinase; minus strand). Cytogenetic location: 3p25.2.
Variant type: single nucleotide variant.
Coding change: c.1724A>C on transcript NM_002880.4 (MANE Select); coding-DNA position 1724, A replaced by C.
Protein change: p.Lys575Thr; replaces lysine 575 with threonine.
Molecular consequence: missense variant. On other transcripts: non-coding transcript variant (3).
Genome position (GRCh38, 1-based): chr3:12,584,926, T>G on the plus strand (A>C on the coding strand, the complement: RAF1 is on the minus strand). VCF-style: chr3-12584926-T-G. GRCh37 (hg19) VCF-style: chr3-12626425-T-G.
Other names: c.1784A>C, p.Lys595Thr (NM_001354689.3); c.1724A>C, p.Lys575Thr (NM_001354690.3); c.1481A>C, p.Lys494Thr (NM_001354691.3, NM_001354692.3); c.1625A>C, p.Lys542Thr (NM_001354693.3); c.1541A>C, p.Lys514Thr (NM_001354694.3); c.1382A>C, p.Lys461Thr (NM_001354695.3); short protein forms K575T, K595T, K494T, K542T, K461T, K514T.
Identifiers: ClinVar variation 633389 (VCV000633389.2), dbSNP rs767890715, ClinGen allele CA351496796.